The following is an entry in ClinVar:

ClinVar aggregate classification (germline): Uncertain significance (1 of 4 stars; one submission).

Conditions:
Inborn genetic diseases. Identifiers: MedGen C0950123, MeSH D030342.

Allele frequency attached by ClinVar (database versions not stated): ExAC 0.00003; gnomAD 0.00005; gnomAD exomes 0.00005.
gnomAD v4.1: 77 of 1,607,928 alleles (0.0048%); highest among the groups gnomAD compares: Non-Finnish European, 0.0058%; no homozygotes.

Submission:

Ambry Genetics
Classification: Uncertain significance for Inborn genetic diseases. Last evaluated: 2022-05-10. Review status: criteria provided, single submitter. Criteria: Ambry Variant Classification Scheme 2023. Collection method: clinical testing. Allele origin: germline.
Comment: The c.488-3C>T intronic alteration consists of a C to T substitution 3 nucleotides before coding exon 3 in the ADGRG1 gene. Based on insufficient or conflicting evidence, the clinical significance of this alteration remains unclear.

NM_201525.4(ADGRG1):c.488-3C>T

Gene: ADGRG1 (adhesion G protein-coupled receptor G1; plus strand). Cytogenetic location: 16q21.
Variant type: single nucleotide variant.
Coding change: c.488-3C>T on transcript NM_201525.4 (MANE Select); 3 bases into the intron before coding-DNA position 488, C replaced by T.
Molecular consequence: intron variant.
Genome position (GRCh38, 1-based): chr16:57,653,200, C>T. VCF-style: chr16-57653200-C-T. GRCh37 (hg19) VCF-style: chr16-57687112-C-T.
Other names: c.488-3C>T (NM_001370440.1, NM_001370428.1, NM_001370436.1 and 16 more transcripts); c.111-786C>T (NM_001290142.2); c.-38-3C>T (NM_001370451.1, NM_001290143.2, NM_001370453.1 and 2 more transcripts); c.332-3C>T (NM_001370442.1); c.503-3C>T (NM_001370433.1, NM_001145773.3).
Identifiers: ClinVar variation 2284846 (VCV002284846.2), dbSNP rs756964363, ClinGen allele CA8078400.